The following is an entry in ClinVar:

NM_003074.4(SMARCC1):c.2303A>G (p.Asp768Gly)

Gene: SMARCC1 (SWI/SNF related BAF chromatin remodeling complex subunit C1; minus strand). Cytogenetic location: 3p21.31.
Variant type: single nucleotide variant.
Coding change: c.2303A>G on transcript NM_003074.4 (MANE Select); coding-DNA position 2303, A replaced by G.
Protein change: p.Asp768Gly; replaces aspartic acid 768 with glycine.
Molecular consequence: missense variant.
Genome position (GRCh38, 1-based): chr3:47,661,311, T>C on the plus strand (A>G on the coding strand, the complement: SMARCC1 is on the minus strand). VCF-style: chr3-47661311-T-C. GRCh37 (hg19) VCF-style: chr3-47702801-T-C.
Other names: short protein forms D768G.
Identifiers: ClinVar variation 5029951 (VCV005029951.1).
Genomic context (GRCh38, chr3:47,661,311, plus strand): 5'-AAACATATATTAACCCTGTCCCTTAAAAGCAGCAGTGACTCACCAAGCTTCTCTGGCTCA[T>C]CGGGCCCTGTGCCTGCAATGCAGCTGCTCTCCAGACCGTAGGTGGGATCCACTTTCCCAG-3'
Protein context (NP_003065.3, residues 758-778): ESSCIAGTGP[Asp768Gly]EPEKLEGAEE

ClinVar aggregate classification (germline): Uncertain significance (1 of 4 stars; one submission).

Conditions:
Inborn genetic diseases. Identifiers: MedGen C0950123, MeSH D030342.

gnomAD v4.1: 15 of 1,612,030 alleles (0.00093%); highest among the groups gnomAD compares: Admixed American, 0.012%; no homozygotes.

Submission:

Ambry Genetics
Classification: Uncertain significance for Inborn genetic diseases. Last evaluated: 2026-07-13. Review status: criteria provided, single submitter. Criteria: Ambry Variant Classification Scheme 2023. Collection method: clinical testing. Allele origin: germline.
Comment: The c.2303A>G (p.D768G) alteration is located in exon 21 (coding exon 21) of the SMARCC1 gene. This alteration results from a A to G substitution at nucleotide position 2303, causing the aspartic acid (D) at amino acid position 768 to be replaced by a glycine (G). Based on data from gnomAD, the G allele has an overall frequency of 0.004% (10/249100) total alleles studied. The highest observed frequency was 0.033% (2/6084) of Other alleles. Based on insufficient or conflicting evidence, the clinical significance of this alteration remains unclear.